The following is an entry in ClinVar:

NM_207361.6(FREM2):c.5263+1G>A

Gene: FREM2 (FRAS1 related extracellular matrix 2; plus strand). Cytogenetic location: 13q13.3.
Variant type: single nucleotide variant.
Coding change: c.5263+1G>A on transcript NM_207361.6 (MANE Select); the canonical splice donor site of the intron after coding-DNA position 5263, G replaced by A.
Molecular consequence: splice donor variant.
Genome position (GRCh38, 1-based): chr13:38,697,788, G>A. VCF-style: chr13-38697788-G-A. GRCh37 (hg19) VCF-style: chr13-39271925-G-A.
Identifiers: ClinVar variation 489215 (VCV000489215.5), dbSNP rs757243985, ClinGen allele CA387894923.

ClinVar aggregate classification (germline): Likely pathogenic. Review status: criteria provided, multiple submitters, no conflicts (2 of 4 stars). 2 submissions from 2 submitters: Likely pathogenic (2). Last evaluated 2023-04-03.

Submissions (2):

Labcorp Genetics (formerly Invitae), Labcorp
Classification: Likely pathogenic. Last evaluated: 2023-04-03. Review status: criteria provided, single submitter. Criteria: Invitae Variant Classification Sherloc (09022015). Collection method: clinical testing. Allele origin: germline.
Comment: In summary, the currently available evidence indicates that the variant is pathogenic, but additional data are needed to prove that conclusively. Therefore, this variant has been classified as Likely Pathogenic. Algorithms developed to predict the effect of sequence changes on RNA splicing suggest that this variant may disrupt the consensus splice site. ClinVar contains an entry for this variant (Variation ID: 489215). This variant has not been reported in the literature in individuals affected with FREM2-related conditions. This variant is not present in population databases (gnomAD no frequency). This sequence change affects a donor splice site in intron 2 of the FREM2 gene. It is expected to disrupt RNA splicing. Variants that disrupt the donor or acceptor splice site typically lead to a loss of protein function (PMID: 16199547), and loss-of-function variants in FREM2 are known to be pathogenic (PMID: 18203166, 26552811).

GeneDx
Classification: Likely pathogenic. Last evaluated: 2017-12-11. Review status: criteria provided, single submitter. Criteria: GeneDx Variant Classification (06012015). Collection method: clinical testing. Allele origin: germline. Affected: yes.
Comment: The c.5263+1G>A variant in the FREM2 gene has not been reported previously as a pathogenic variant nor as a benign variant, to our knowledge. This splice site variant destroys the canonical splice donor site in intron 2. This splice site variant is predicted to cause abnormal gene splicing resulting in an in-frame protein product with an abnormal message. The c.5263+1G>A variant is not observed in large population cohorts (Lek et al., 2016). We interpret c.5263+1G>A as a likely pathogenic variant.

Literature cited by the submitters: PubMed 16199547 (cited by Labcorp Genetics (formerly Invitae), Labcorp); PubMed 18203166 (cited by Labcorp Genetics (formerly Invitae), Labcorp); PubMed 26552811 (cited by Labcorp Genetics (formerly Invitae), Labcorp).